The following is an entry in ClinVar:

ClinVar aggregate classification (germline): Uncertain significance (1 of 4 stars; one submission).

Conditions:
Arginine:glycine amidinotransferase deficiency (CCDS3). Also called: L-Arginine:Glycine Amidinotransferase (AGAT) Deficiency; AGAT deficiency; L-Arginine:Glycine Amidinotransferase Deficiency; Creatine deficiency syndrome due to AGAT deficiency; GATM deficiency; Cerebral creatine deficiency syndrome 3. Identifiers: Orphanet 35704, MedGen C2675179, MONDO:0012996, OMIM 612718.

Submission:

Labcorp Genetics (formerly Invitae), Labcorp
Classification: Uncertain significance for Arginine:glycine amidinotransferase deficiency. Last evaluated: 2023-10-09. Review status: criteria provided, single submitter. Criteria: Invitae Variant Classification Sherloc (09022015). Collection method: clinical testing. Allele origin: germline.
Comment: This sequence change replaces serine, which is neutral and polar, with proline, which is neutral and non-polar, at codon 45 of the GATM protein (p.Ser45Pro). This variant is not present in population databases (gnomAD no frequency). This variant has not been reported in the literature in individuals affected with GATM-related conditions. An algorithm developed to predict the effect of missense changes on protein structure and function (PolyPhen-2) suggests that this variant is likely to be tolerated. In summary, the available evidence is currently insufficient to determine the role of this variant in disease. Therefore, it has been classified as a Variant of Uncertain Significance.

NM_001482.3(GATM):c.133T>C (p.Ser45Pro)

Gene: GATM (glycine amidinotransferase; minus strand). Cytogenetic location: 15q21.1.
Variant type: single nucleotide variant.
Coding change: c.133T>C on transcript NM_001482.3 (MANE Select); coding-DNA position 133, T replaced by C.
Protein change: p.Ser45Pro; replaces serine 45 with proline.
Molecular consequence: missense variant. On other transcripts: 5 prime UTR variant (1).
Genome position (GRCh38, 1-based): chr15:45,376,756, A>G on the plus strand (T>C on the coding strand, the complement: GATM is on the minus strand). VCF-style: chr15-45376756-A-G. GRCh37 (hg19) VCF-style: chr15-45668954-A-G.
Other names: c.-255T>C (NM_001321015.2); short protein forms S45P.
Identifiers: ClinVar variation 2720520 (VCV002720520.3), dbSNP rs2542005825, ClinGen allele CA392265650.